The following is an entry in ClinVar:

ClinVar aggregate classification (germline): Uncertain significance. Review status: criteria provided, multiple submitters, no conflicts (2 of 4 stars). 2 submissions from 2 submitters: Uncertain significance (2). Last evaluated 2022-09-06.

Conditions:
Peroxisome biogenesis disorder 9B. Also called: PEX7-Related Refsum Disease; PEROXISOME BIOGENESIS DISORDER, PEX7-RELATED, ATYPICAL; Refsum disease, adult, 2. Identifiers: Orphanet 773, MedGen C2749346, MONDO:0013945, OMIM 614879.

Allele frequency attached by ClinVar (database versions not stated): gnomAD 0.00001; ExAC 0.00002; TOPMed 0.00002.
gnomAD v4.1: 17 of 1,613,750 alleles (0.0011%); highest among the groups gnomAD compares: Admixed American, 0.01%; no homozygotes.

Submissions (2):

Labcorp Genetics (formerly Invitae), Labcorp
Classification: Uncertain significance for Peroxisome biogenesis disorder 9B. Last evaluated: 2022-09-06. Review status: criteria provided, single submitter. Criteria: Invitae Variant Classification Sherloc (09022015). Collection method: clinical testing. Allele origin: germline.
Comment: This sequence change replaces glutamine, which is neutral and polar, with histidine, which is basic and polar, at codon 178 of the PEX7 protein (p.Gln178His). This variant is present in population databases (rs746010906, gnomAD 0.01%). This variant has not been reported in the literature in individuals affected with PEX7-related conditions. ClinVar contains an entry for this variant (Variation ID: 996150). Algorithms developed to predict the effect of missense changes on protein structure and function (SIFT, PolyPhen-2, Align-GVGD) all suggest that this variant is likely to be tolerated. In summary, the available evidence is currently insufficient to determine the role of this variant in disease. Therefore, it has been classified as a Variant of Uncertain Significance.

Institute of Human Genetics, University of Goettingen
Classification: Uncertain significance for Peroxisome biogenesis disorder 9B. Last evaluated: 2021-02-05. Review status: criteria provided, single submitter. Criteria: ACMG Guidelines, 2015. Collection method: clinical testing. Allele origin: unknown. Inheritance: Autosomal recessive inheritance.
Comment: The PEX7 variant c.534G>C (p.(Gln178His)) is found at a population frequency of 0.0018% in the gnomAD database, it affects a weakly conserved nucleotide and a moderately conserved amino acid and there is a small physicochemical difference between Gln and His. This variant is located in a protein domain and has a benign computational verdict based on in silico prediction programs (M-CAP, SIFT, PolyPhen-2). ACMG criteria used for classification: PM2, PP2, BP4.

NM_000288.4(PEX7):c.534G>C (p.Gln178His)

Gene: PEX7 (peroxisomal biogenesis factor 7; plus strand). Cytogenetic location: 6q23.3.
Variant type: single nucleotide variant.
Coding change: c.534G>C on transcript NM_000288.4 (MANE Select); coding-DNA position 534, G replaced by C.
Protein change: p.Gln178His; replaces glutamine 178 with histidine.
Molecular consequence: missense variant.
Genome position (GRCh38, 1-based): chr6:136,866,634, G>C. VCF-style: chr6-136866634-G-C. GRCh37 (hg19) VCF-style: chr6-137187772-G-C.
Other names: short protein forms Q178H.
Identifiers: ClinVar variation 996150 (VCV000996150.5), dbSNP rs746010906, ClinGen allele CA4017656.
Genomic context (GRCh38, chr6:136,866,634, plus strand): 5'-ACTGCACATTCAAGTGGTGTGATGGGAAATGATCAAGTCTTCCTTTTTACTAGGTGATCA[G>C]ACTCTGAGAATATGGGATGTGAAGGCAGCAGGAGTAAGAATCGTGATTCCTGCACATCAG-3'
Protein context (NP_000279.1, residues 168-188): PGCFASASGD[Gln178His]TLRIWDVKAA